The following is an entry in ClinVar:

ClinVar aggregate classification (germline): Uncertain significance (1 of 4 stars; one submission).

Conditions:
Developmental and epileptic encephalopathy, 23 (DEE23). Also called: Epileptic encephalopathy, early infantile, 23. Identifiers: Orphanet 411986, MedGen C4014492, MONDO:0014371, OMIM 615859.

Submission:

Labcorp Genetics (formerly Invitae), Labcorp
Classification: Uncertain significance for Developmental and epileptic encephalopathy, 23. Last evaluated: 2024-06-05. Review status: criteria provided, single submitter. Criteria: Invitae Variant Classification Sherloc (09022015). Collection method: clinical testing. Allele origin: germline.
Comment: This sequence change replaces leucine, which is neutral and non-polar, with phenylalanine, which is neutral and non-polar, at codon 1005 of the DOCK7 protein (p.Leu1005Phe). This variant is not present in population databases (gnomAD no frequency). This variant has not been reported in the literature in individuals affected with DOCK7-related conditions. ClinVar contains an entry for this variant (Variation ID: 2106550). An algorithm developed to predict the effect of missense changes on protein structure and function (PolyPhen-2) suggests that this variant is likely to be tolerated. In summary, the available evidence is currently insufficient to determine the role of this variant in disease. Therefore, it has been classified as a Variant of Uncertain Significance.

NM_001367561.1(DOCK7):c.3015G>C (p.Leu1005Phe)

Gene: DOCK7 (dedicator of cytokinesis 7; minus strand). Cytogenetic location: 1p31.3.
Variant type: single nucleotide variant.
Coding change: c.3015G>C on transcript NM_001367561.1 (MANE Select); coding-DNA position 3015, G replaced by C.
Protein change: p.Leu1005Phe; replaces leucine 1005 with phenylalanine.
Molecular consequence: missense variant.
Genome position (GRCh38, 1-based): chr1:62,542,638, C>G on the plus strand (G>C on the coding strand, the complement: DOCK7 is on the minus strand). VCF-style: chr1-62542638-C-G. GRCh37 (hg19) VCF-style: chr1-63008309-C-G.
Other names: c.3015G>C, p.Leu1005Phe (NM_001271999.2, NM_001330614.2); c.2922G>C, p.Leu974Phe (NM_001272000.2, NM_001272001.2, NM_033407.4); short protein forms L1005F, L974F.
Identifiers: ClinVar variation 2106550 (VCV002106550.4), dbSNP rs564521595, ClinGen allele CA23742891.